The following is an entry in ClinVar:

NM_002485.5(NBN):c.429G>A (p.Trp143Ter)

Gene: NBN (nibrin; minus strand). Cytogenetic location: 8q21.3.
Variant type: single nucleotide variant.
Coding change: c.429G>A on transcript NM_002485.5 (MANE Select); coding-DNA position 429, G replaced by A.
Protein change: p.Trp143Ter; replaces tryptophan 143 with a stop codon.
Molecular consequence: nonsense.
Genome position (GRCh38, 1-based): chr8:89,980,785, C>T on the plus strand (G>A on the coding strand, the complement: NBN is on the minus strand). VCF-style: chr8-89980785-C-T. GRCh37 (hg19) VCF-style: chr8-90993013-C-T.
Other names: c.183G>A, p.Trp61Ter (NM_001024688.3); short protein forms W61*, W143*.
Identifiers: ClinVar variation 856035 (VCV000856035.4), dbSNP rs1812023981, ClinGen allele CA371661723.

ClinVar aggregate classification (germline): Pathogenic/Likely pathogenic. Review status: criteria provided, multiple submitters, no conflicts (2 of 4 stars). 4 submissions from 4 submitters: Pathogenic (2); Likely pathogenic (2). Last evaluated 2024-05-01.

Conditions:
Microcephaly, normal intelligence and immunodeficiency (NBS). Also called: SEEMANOVA SYNDROME II; IMMUNODEFICIENCY, MICROCEPHALY, AND CHROMOSOMAL INSTABILITY; Immunodeficiency, microcephaly with normal intelligence; BERLIN BREAKAGE SYNDROME; Nijmegen breakage syndrome; Microcephaly with normal intelligence immunodeficiency and lymphoreticular malignancies. Identifiers: Orphanet 647, MedGen C0398791, MONDO:0009623, OMIM 251260.
Aplastic anemia. Identifiers: Orphanet 182040, Orphanet 88, MedGen C0002874, MONDO:0015909, OMIM 609135, HP:0001915.
Acute lymphoid leukemia (ALL). Also called: Acute lymphoblastic leukemia; Acute lymphocytic leukemia; Leukemia, acute lymphoblastic, somatic; Lymphoblastic leukemia. Identifiers: Orphanet 513, MedGen C0023449, MONDO:0004967, OMIM 613065, HP:0006721.

Submissions (4):

Fulgent Genetics
Classification: Likely pathogenic for Microcephaly, normal intelligence and immunodeficiency; Aplastic anemia; Acute lymphoid leukemia. Last evaluated: 2024-05-01. Review status: criteria provided, single submitter. Criteria: ACMG Guidelines, 2015. Collection method: clinical testing. Allele origin: germline.

Genomic Medicine Center of Excellence, King Faisal Specialist Hospital and Research Centre
Classification: Pathogenic for Microcephaly, normal intelligence and immunodeficiency. Last evaluated: 2024-03-26. Review status: criteria provided, single submitter. Criteria: ACMG Guidelines, 2015. Collection method: clinical testing. Allele origin: germline.

Baylor Genetics
Classification: Likely pathogenic for Aplastic anemia. Last evaluated: 2021-03-16. Review status: criteria provided, single submitter. Criteria: ACMG Guidelines, 2015. Collection method: clinical testing. Allele origin: unknown.

Labcorp Genetics (formerly Invitae), Labcorp
Classification: Pathogenic for Microcephaly, normal intelligence and immunodeficiency. Last evaluated: 2019-12-23. Review status: criteria provided, single submitter. Criteria: Invitae Variant Classification Sherloc (09022015). Collection method: clinical testing. Allele origin: germline.
Comment: This sequence change creates a premature translational stop signal (p.Trp143*) in the NBN gene. It is expected to result in an absent or disrupted protein product. This variant is not present in population databases (ExAC no frequency). This variant has not been reported in the literature in individuals with NBN-related conditions. Loss-of-function variants in NBN are known to be pathogenic (PMID: 9590180, 16415040). For these reasons, this variant has been classified as Pathogenic.